The following is an entry in ClinVar:

NM_002432.3(MNDA):c.29T>G (p.Leu10Trp)

Gene: MNDA (myeloid cell nuclear differentiation antigen; plus strand). Cytogenetic location: 1q23.1.
Variant type: single nucleotide variant.
Coding change: c.29T>G on transcript NM_002432.3 (MANE Select); coding-DNA position 29, T replaced by G.
Protein change: p.Leu10Trp; replaces leucine 10 with tryptophan.
Molecular consequence: missense variant.
Genome position (GRCh38, 1-based): chr1:158,842,182, T>G. VCF-style: chr1-158842182-T-G. GRCh37 (hg19) VCF-style: chr1-158811972-T-G.
Other names: short protein forms L10W.
Identifiers: ClinVar variation 1798640 (VCV001798640.2), dbSNP rs200492348, ClinGen allele CA343036297.
Genomic context (GRCh38, chr1:158,842,182, plus strand): 5'-TTTACTTTATAGGCCAAGCTATAACATCAGAAATGGTGAATGAATACAAGAAAATTCTTT[T>G]GCTGAAAGGATTTGAGCTCATGGATGATTATCATTTTACATCAATTAAGTCCTTACTGGC-3'
Protein context (NP_002423.1, residues 1-20): MVNEYKKIL[Leu10Trp]LKGFELMDDY

ClinVar aggregate classification (germline): Uncertain significance (1 of 4 stars; one submission).

Submission:

Ambry Genetics
Classification: Uncertain significance. Last evaluated: 2024-02-25. Review status: criteria provided, single submitter. Criteria: Ambry Variant Classification Scheme 2023. Collection method: clinical testing. Allele origin: germline.
Comment: The p.L10W variant (also known as c.29T>G), located in coding exon 1 of the MNDA gene, results from a T to G substitution at nucleotide position 29. The leucine at codon 10 is replaced by tryptophan, an amino acid with similar properties. This amino acid position is conserved. In addition, the in silico prediction for this alteration is inconclusive. Since supporting evidence is limited at this time, the clinical significance of this alteration remains unclear.